The following is an entry in ClinVar:

NM_207111.4(RNF216):c.2759G>A (p.Arg920Gln)

Gene: RNF216 (ring finger protein 216; minus strand). Cytogenetic location: 7p22.1.
Variant type: single nucleotide variant.
Coding change: c.2759G>A on transcript NM_207111.4 (MANE Select); coding-DNA position 2759, G replaced by A.
Protein change: p.Arg920Gln; replaces arginine 920 with glutamine.
Molecular consequence: missense variant.
Genome position (GRCh38, 1-based): chr7:5,622,873, C>T on the plus strand (G>A on the coding strand, the complement: RNF216 is on the minus strand). VCF-style: chr7-5622873-C-T. GRCh37 (hg19) VCF-style: chr7-5662504-C-T.
Other names: c.2588G>A, p.Arg863Gln (NM_001377156.1, NM_207116.3); c.2759G>A (NM_207111.3); short protein forms R920Q, R863Q.
Identifiers: ClinVar variation 1414189 (VCV001414189.8), dbSNP rs771721295, ClinGen allele CA4147695.

ClinVar aggregate classification (germline): Uncertain significance. Review status: criteria provided, multiple submitters, no conflicts (2 of 4 stars). 3 submissions from 3 submitters: Uncertain significance (3). Last evaluated 2025-10-02.

Conditions:
Inborn genetic diseases. Identifiers: MedGen C0950123, MeSH D030342.

Allele frequency attached by ClinVar (database versions not stated): ExAC 0.00001; gnomAD 0.00001 and 0.00002; TOPMed 0.00003.
gnomAD v4.1: 18 of 1,601,482 alleles (0.0011%); highest among the groups gnomAD compares: South Asian, 0.01%; no homozygotes.

Submissions (3):

Ambry Genetics
Classification: Uncertain significance for Inborn genetic diseases. Last evaluated: 2025-10-02. Review status: criteria provided, single submitter. Criteria: Ambry Variant Classification Scheme 2023. Collection method: clinical testing. Allele origin: germline.

Labcorp Genetics (formerly Invitae), Labcorp
Classification: Uncertain significance. Last evaluated: 2024-06-25. Review status: criteria provided, single submitter. Criteria: Invitae Variant Classification Sherloc (09022015). Collection method: clinical testing. Allele origin: germline.
Comment: This sequence change replaces arginine, which is basic and polar, with glutamine, which is neutral and polar, at codon 920 of the RNF216 protein (p.Arg920Gln). This variant is present in population databases (rs771721295, gnomAD 0.01%). This variant has not been reported in the literature in individuals affected with RNF216-related conditions. ClinVar contains an entry for this variant (Variation ID: 1414189). An algorithm developed to predict the effect of missense changes on protein structure and function (PolyPhen-2) suggests that this variant is likely to be disruptive. In summary, the available evidence is currently insufficient to determine the role of this variant in disease. Therefore, it has been classified as a Variant of Uncertain Significance.

Blueprint Genetics
Classification: Uncertain significance. Last evaluated: 2022-06-13. Review status: criteria provided, single submitter. Criteria: ACMG Guidelines, 2015. Collection method: clinical testing. Allele origin: germline.